The following is an entry in ClinVar:

NM_012250.6(RRAS2):c.70_78dup (p.Gly24_Gly26dup)

Genes: RRAS2 (RAS related 2; minus strand), LOC130005368 (ATAC-STARR-seq lymphoblastoid silent region 3172; plus strand). Cytogenetic location: 11p15.2.
Variant type: Duplication.
Coding change: c.70_78dup on transcript NM_012250.6 (MANE Select); coding-DNA positions 70 to 78, 9 bases duplicated (GGCGTGGGC; older notation c.70_78dupGGCGTGGGC).
Protein change: p.Gly24_Gly26dup.
Molecular consequence: inframe insertion. On other transcripts: intron variant (1).
Genome position (GRCh38, 1-based): chr11:14,358,793-14,358,801, GCCCACGCC duplicated on the plus strand (GGCGTGGGC on the coding strand, the reverse complement: RRAS2 is on the minus strand); duplicating any 9 consecutive bases within chr11:14,358,793-14,358,805 gives the same sequence; the c. name uses the placement nearest the transcript's 3' end. VCF-style (leftmost placement, unchanged base first): chr11-14358792-T-TGCCCACGCC. GRCh37 (hg19) VCF-style: chr11-14380338-T-TGCCCACGCC.
Other names: p.Gly24_Gly26dup; c.70_78dup (NM_012250.5); c.70_78dupGGCGTGGGC (NM_012250.5); c.3+5590_3+5598dup (NM_001177314.2).
Identifiers: ClinVar variation 626913 (VCV000626913.22), dbSNP rs1591495767, ClinGen allele CA912971829.

ClinVar aggregate classification (germline): Pathogenic. Review status: criteria provided, multiple submitters, no conflicts (2 of 4 stars). 13 submissions from 13 submitters: Pathogenic (11). 2 of the submissions do not count toward it. Last evaluated 2026-08-01.

Conditions:
Noonan syndrome 12. Identifiers: MedGen C5231432, MONDO:0032839, OMIM 618624.
Inborn genetic diseases. Identifiers: MedGen C0950123, MeSH D030342.
Noonan syndrome (NS). Also called: Noonan's syndrome. Identifiers: Orphanet 648, MedGen C0028326, MeSH D009634, MONDO:0018997. Disease mechanism: gain of function.
RRAS2-related disorder. Also called: RRAS2-related condition.

Submissions (13):

CeGaT Center for Human Genetics Tuebingen
Classification: Pathogenic. Last evaluated: 2026-08-01. Review status: criteria provided, single submitter. Criteria: CeGaT Center For Human Genetics Tuebingen Variant Classification Criteria Version 2. Collection method: clinical testing. Allele origin: germline. Affected: yes. Observed: 1 variant allele.
Comment: RRAS2: PM2, PM4, PS2:Moderate, PS3:Moderate, PS4:Moderate

Institute of Human Genetics, University of Leipzig Medical Center
Classification: Pathogenic for Noonan syndrome 12. Last evaluated: 2026-05-20. Review status: criteria provided, single submitter. Criteria: ACMG Guidelines, 2015. Collection method: clinical testing. Allele origin: de novo. Inheritance: Autosomal dominant inheritance. Affected: yes.
Comment: Criteria applied: PS2_MOD,PS3_MOD,PS4,PM1,PM2_SUP,PM4

Labcorp Genetics (formerly Invitae), Labcorp
Classification: Pathogenic. Last evaluated: 2025-11-11. Review status: criteria provided, single submitter. Criteria: Invitae Variant Classification Sherloc (09022015). Collection method: clinical testing. Allele origin: germline.
Comment: This variant, c.70_78dup, results in the insertion of 3 amino acid(s) of the RRAS2 protein (p.Gly24_Gly26dup), but otherwise preserves the integrity of the reading frame. This variant is not present in population databases (gnomAD no frequency). This variant has been observed in individual(s) with clinical features of Noonan or cardiofaciocutaneous syndrome (PMID: 31130282, 31130285). In at least one individual the variant was observed to be de novo. ClinVar contains an entry for this variant (Variation ID: 626913). Algorithms developed to predict the effect of variants on gene product structure and function are not available or were not evaluated for this variant. Experimental studies have shown that this variant affects RRAS2 function (PMID: 31130285). For these reasons, this variant has been classified as Pathogenic.

Institute for Genomic Medicine (IGM) Clinical Laboratory, Nationwide Children's Hospital
Classification: Pathogenic for Noonan syndrome 12. Last evaluated: 2025-07-25. Review status: criteria provided, single submitter. Criteria: ACMG Guidelines, 2015. Collection method: clinical testing. Allele origin: germline.
Comment: This variant has been reported to occur de novo in an affected individual in the literature with parental identity confirmed (ACMG/AMP: PS2; PMID:31130285). Well-established functional studies have demonstrated this variant to have a damaging effect on protein function or splicing (ACMG/AMP: PS3_Moderate; PMID:31130285). This variant has been reported at an elevated frequency in affected individuals/in multiple affected individuals in the literature (ACMG/AMP: PS4_Supporting; PMIDs:31130285, 31130282). This variant is located in a mutational hot spot and/or critical and well-established functional domain (ACMG/AMP: PM1; PMID:31130282). This variant is absent from or present at an exceedingly low frequency in gnomAD, a large-scale control population database (ACMG/AMP: PM2_Supporting). This variant is predicted to result in an in-frame insertion or deletion in a non-repetitive region (ACMG/AMP: PM4).

Ambry Genetics
Classification: Pathogenic for Inborn genetic diseases. Last evaluated: 2024-09-06. Review status: criteria provided, single submitter. Criteria: Ambry Variant Classification Scheme 2023. Collection method: clinical testing. Allele origin: germline.
Comment: The c.70_78dupGGCGTGGGC (p.G24_G26dup) alteration, located in coding exon 1 of the RRAS2 gene, results from an in-frame duplication of 9 nucleotides at positions 70 to 78. This results in the insertion of 3 amino acids between codons 24 and 26. This variant was not reported in population-based cohorts in the Genome Aggregation Database (gnomAD). This variant has been determined to be the result of a de novo mutation in multiple individuals with features consistent with RRAS2-related RASopathy (Capri, 2019; Ambry internal data). This amino acid positions are highly conserved in available vertebrate species. This alteration is predicted to be deleterious by in silico analysis (Choi, 2012). Based on the available evidence, this alteration is classified as pathogenic.

Victorian Clinical Genetics Services, Murdoch Childrens Research Institute
Classification: Pathogenic for Noonan syndrome 12. Last evaluated: 2023-07-17. Review status: criteria provided, single submitter. Criteria: ACMG Guidelines, 2015. Collection method: clinical testing. Allele origin: germline. Inheritance: Autosomal dominant inheritance. Affected: yes.
Comment: Based on the classification scheme VCGS_Germline_v1.3.4, this variant is classified as Pathogenic. Following criteria are met: 0101 - Gain of function is a known mechanism of disease in this gene and is associated with Noonan syndrome 12 (MIM#618624) (PMIDs: 31130282, 31130285). (I) 0107 - This gene is associated with autosomal dominant disease. (I) 0213 - In-frame insertion/deletion in a non-repetitive region that has uninformative conservation. (SP) 0251 - This variant is heterozygous. (I) 0301 - Variant is absent from gnomAD (both v2 and v3). (SP) 0603 - Missense variant in a region that is highly intolerant to missense variation (high constraint region in DECIPHER). (SP) 0801 - This variant has strong previous evidence of pathogenicity in unrelated individuals. This variant has been reported as pathogenic, and observed as de novo in at least three individuals with Noonan syndrome and macrocephaly (ClinVar, PMID: 31130282, PMID: 31130285). (SP) 1002 - This variant has moderate functional evidence supporting abnormal protein function. This variant has been functionally proven to increase association with RAF1, and activate ERK1/2 and ELK1 (PMID: 31130285). (I) Legend: (SP) - Supporting pathogenic, (I) - Information, (SB) - Supporting benign

Baylor Genetics
Classification: Pathogenic for Noonan syndrome 12. Last evaluated: 2023-04-10. Review status: criteria provided, single submitter. Criteria: ACMG Guidelines, 2015. Collection method: clinical testing. Allele origin: unknown.

Blueprint Genetics
Classification: Pathogenic for RRAS2-related disorders. Last evaluated: 2023-03-15. Review status: criteria provided, single submitter. Criteria: ACMG Guidelines, 2015. Collection method: clinical testing. Allele origin: de novo. Affected: yes. Observed: 2 variant alleles.

HudsonAlpha Institute for Biotechnology
Classification: Pathogenic for Noonan syndrome 12. Last evaluated: 2021-02-19. Review status: criteria provided, single submitter. Criteria: ACMG Guidelines, 2015. Collection method: research. Allele origin: de novo. Affected: yes. Observed: 1 variant allele. Study: CSER-SouthSeq.
Comment: ACMG codes:PS2, PS3, PS4M, PM1, PM2, PM4, PP5

Rady Children's Institute for Genomic Medicine, Rady Children's Hospital San Diego
Classification: Pathogenic for Noonan Syndrome 12. Last evaluated: 2020-07-09. Review status: criteria provided, single submitter. Criteria: ACMG Guidelines, 2015. Collection method: clinical testing. Allele origin: germline. Affected: yes.
Comment: This variant has been previously reported as a de novo heterozygous change in two patients with Noonan Syndrome (PMID: 31130285, 31130282). The c.70_78dup (p.Gly24_Gly26dup) variant maps to a phosphate binding loop (P loop) in a domain that is conserved across the RAS family and affects the well-established mutational hotspot of RAS proteins. Functional studies of the p.Gly24_Gly26dup variant demonstrate that it has a gain-of-function effect by increasing affinity for RAF and activating MEK/ERK pathway (PMID: 11850823, 31130285, 31130282). In-vivo studies found that larvae harboring this variant had craniofacial defects and macrocephaly (PMID: 31130285). It is absent from the gnomAD population database and thus is presumed to be rare. In silico analyses support a deleterious effect of the c.70_78dup (p.Gly24_Gly26dup) variant on protein function. Analysis of the parental samples was negative for the variant through external send-out testing, indicating this variant likely occurred as a de novo event. Based on the available evidence, the c.70_78dup (p.Gly24_Gly26dup) variant is classified as Pathogenic.

Tartaglia Lab, Genetics and Rare Diseases Research Division, Bambino Gesu' Children's Hospital
Classification: Pathogenic for Noonan Syndrome. Last evaluated: 2019-04-01. Review status: criteria provided, single submitter. Criteria: ACMG Guidelines, 2015. Collection method: research. Allele origin: de novo. Affected: yes.
Comment: this is a pathogenic variant associated with Noonan Syndrome

Undiagnosed Diseases Network, NIH
Classification: Pathogenic for Noonan syndrome 12. Last evaluated: 2023-10-25. Review status: no assertion criteria provided. Collection method: clinical testing. Allele origin: de novo. Affected: yes. Observed: 1 variant allele, 1 heterozygote. Study: Undiagnosed Diseases Network (NIH), UDN. Not counted in ClinVar's aggregate classification.

OMIM
Classification: Pathogenic for NOONAN SYNDROME 12. Last evaluated: 2019-10-15. Review status: no assertion criteria provided. Collection method: literature only. Allele origin: germline. Not counted in ClinVar's aggregate classification.

Literature cited by the submitters: PubMed 31130282 (cited by 6 submitters); PubMed 31130285 (cited by 5 submitters).